The following is an entry in ClinVar:

ClinVar aggregate classification (germline): Pathogenic. Review status: criteria provided, multiple submitters, no conflicts (2 of 4 stars). 4 submissions from 4 submitters: Pathogenic (4). Last evaluated 2025-02-14.

Conditions:
Hereditary nonpolyposis colorectal neoplasms. Identifiers: MedGen C0009405, MeSH D003123.
Hereditary cancer-predisposing syndrome. Also called: Neoplastic Syndromes, Hereditary; Tumor predisposition; Hereditary neoplastic syndrome; Hereditary Cancer Syndrome. Identifiers: Orphanet 140162, MedGen C0027672, MeSH D009386, MONDO:0015356.
Lynch syndrome 4 (LYNCH4). Also called: Colorectal cancer, hereditary nonpolyposis, type 4; Hereditary non-polyposis colorectal cancer, type 4. Identifiers: Orphanet 144, MedGen C1838333, MONDO:0013699, OMIM 614337. Disease mechanism: loss of function.

Submissions (4):

GeneDx
Classification: Pathogenic. Last evaluated: 2025-02-14. Review status: criteria provided, single submitter. Criteria: GeneDx Variant Classification Process June 2021. Collection method: clinical testing. Allele origin: germline. Affected: yes.
Comment: Identified in a patient with colorectal cancer in published literature (PMID: 37534630); Frameshift variant predicted to result in protein truncation or nonsense mediated decay in a gene for which loss of function is a known mechanism of disease; Not observed at significant frequency in large population cohorts (gnomAD); Truncating variants in this gene are considered pathogenic by a well-established clinical consortium and/or database; This variant is associated with the following publications: (PMID: 31589614, 37534630)

Ambry Genetics
Classification: Pathogenic for Hereditary cancer-predisposing syndrome. Last evaluated: 2025-01-02. Review status: criteria provided, single submitter. Criteria: Ambry Variant Classification Scheme 2023. Collection method: clinical testing. Allele origin: germline.
Comment: The c.2123delA pathogenic mutation, located in coding exon 12 of the PMS2 gene, results from a deletion of one nucleotide at nucleotide position 2123, causing a translational frameshift with a predicted alternate stop codon (p.N708Tfs*17). This alteration is expected to result in loss of function by premature protein truncation or nonsense-mediated mRNA decay. As such, this alteration is interpreted as a disease-causing mutation.

Labcorp Genetics (formerly Invitae), Labcorp
Classification: Pathogenic for Hereditary nonpolyposis colorectal neoplasms. Last evaluated: 2024-01-19. Review status: criteria provided, single submitter. Criteria: Invitae Variant Classification Sherloc (09022015). Collection method: clinical testing. Allele origin: germline.
Comment: This sequence change creates a premature translational stop signal (p.Asn708Thrfs*17) in the PMS2 gene. It is expected to result in an absent or disrupted protein product. Loss-of-function variants in PMS2 are known to be pathogenic (PMID: 21376568, 24362816). The frequency data for this variant in the population databases (gnomAD) is considered unreliable due to the presence of homologous sequence, such as pseudogenes or paralogs, in the genome. This variant has not been reported in the literature in individuals affected with PMS2-related conditions. ClinVar contains an entry for this variant (Variation ID: 569051). For these reasons, this variant has been classified as Pathogenic.

Myriad Genetics, Inc.
Classification: Pathogenic for Lynch syndrome 4. Last evaluated: 2023-09-21. Review status: criteria provided, single submitter. Criteria: Myriad Autosomal Dominant, Autosomal Recessive and X-Linked Classification Criteria (2023). Collection method: clinical testing. Allele origin: unknown.
Comment: This variant is considered pathogenic. This variant creates a frameshift predicted to result in premature protein truncation.

Literature cited by the submitters: PubMed 21376568 (cited by Labcorp Genetics (formerly Invitae), Labcorp); PubMed 24362816 (cited by Labcorp Genetics (formerly Invitae), Labcorp).

NM_000535.7(PMS2):c.2123del (p.Asn708fs)

Gene: PMS2 (PMS1 homolog 2, mismatch repair system component; minus strand). Cytogenetic location: 7p22.1.
Variant type: Deletion.
Coding change: c.2123del on transcript NM_000535.7 (MANE Select); coding-DNA position 2123, one base deleted (A; older notation c.2123delA).
Protein change: p.Asn708fs; shifts the reading frame from asparagine 708.
Molecular consequence: frameshift variant. On other transcripts: non-coding transcript variant (1).
Genome position (GRCh38, 1-based): chr7:5,982,875, T deleted on the plus strand (A on the coding strand, the reverse complement: PMS2 is on the minus strand); the first of 2 consecutive T bases (chr7:5,982,875-5,982,876); deleting either gives the same sequence. VCF-style (leftmost placement, unchanged base first): chr7-5982874-GT-G. GRCh37 (hg19) VCF-style: chr7-6022505-GT-G.
Other names: c.2123delA (NM_000535.5); c.2123del (NM_000535.5); c.1718del, p.Asn573fs (NM_001322003.2, NM_001322004.2, NM_001322005.2 and 1 more transcripts); c.1967del, p.Asn656fs (NM_001322006.2); c.1805del, p.Asn602fs (NM_001322007.2, NM_001322008.2); c.1562del, p.Asn521fs (NM_001322010.2); c.1190del, p.Asn397fs (NM_001322011.2, NM_001322012.2); c.1550del, p.Asn517fs (NM_001322013.2); and 2 more; short protein forms N521fs, N708fs, N605fs, N656fs, N397fs, N517fs, N573fs, N602fs.
Identifiers: ClinVar variation 569051 (VCV000569051.13), dbSNP rs781078805, ClinGen allele CA046679.